The following is an entry in ClinVar:

ClinVar aggregate classification (germline): Likely benign (1 of 4 stars; one submission).

gnomAD v4.1: 1,724 of 1,607,844 alleles (0.11%); highest among the groups gnomAD compares: Middle Eastern, 1.1%; 24 homozygotes.

Submission:

CeGaT Center for Human Genetics Tuebingen
Classification: Likely benign. Last evaluated: 2026-06-01. Review status: criteria provided, single submitter. Criteria: CeGaT Center For Human Genetics Tuebingen Variant Classification Criteria Version 2. Collection method: clinical testing. Allele origin: germline. Affected: yes. Observed: 1 variant allele.
Comment: POTEF: BS2

NM_001099771.2(POTEF):c.1954C>T (p.Arg652Trp)

Gene: POTEF (POTE ankyrin domain family member F; minus strand). Cytogenetic location: 2q21.1.
Variant type: single nucleotide variant.
Coding change: c.1954C>T on transcript NM_001099771.2 (MANE Select); coding-DNA position 1954, C replaced by T.
Protein change: p.Arg652Trp; replaces arginine 652 with tryptophan.
Molecular consequence: missense variant.
Genome position (GRCh38, 1-based): chr2:130,075,518, G>A on the plus strand (C>T on the coding strand, the complement: POTEF is on the minus strand). VCF-style: chr2-130075518-G-A. GRCh37 (hg19) VCF-style: chr2-130833091-G-A.
Other names: short protein forms R652W.
Identifiers: ClinVar variation 5038763 (VCV005038763.1).